The following is an entry in ClinVar:

ClinVar aggregate classification (germline): Uncertain significance (1 of 4 stars; one submission).

Conditions:
Inborn genetic diseases. Identifiers: MedGen C0950123, MeSH D030342.

Submission:

Ambry Genetics
Classification: Uncertain significance for Inborn genetic diseases. Last evaluated: 2022-06-20. Review status: criteria provided, single submitter. Criteria: Ambry Variant Classification Scheme 2023. Collection method: clinical testing. Allele origin: germline.
Comment: The p.D576G variant (also known as c.1727A>G), located in coding exon 14 of the BUB1B gene, results from an A to G substitution at nucleotide position 1727. The aspartic acid at codon 576 is replaced by glycine, an amino acid with similar properties. This amino acid position is conserved. In addition, this alteration is predicted to be tolerated by in silico analysis. Since supporting evidence is limited at this time, the clinical significance of this alteration remains unclear.

NM_001211.6(BUB1B):c.1727A>G (p.Asp576Gly)

Gene: BUB1B (BUB1 mitotic checkpoint serine/threonine kinase B; plus strand). Cytogenetic location: 15q15.1.
Variant type: single nucleotide variant.
Coding change: c.1727A>G on transcript NM_001211.6 (MANE Select); coding-DNA position 1727, A replaced by G.
Protein change: p.Asp576Gly; replaces aspartic acid 576 with glycine.
Molecular consequence: missense variant.
Genome position (GRCh38, 1-based): chr15:40,202,687, A>G. VCF-style: chr15-40202687-A-G. GRCh37 (hg19) VCF-style: chr15-40494888-A-G.
Other names: short protein forms D576G.
Identifiers: ClinVar variation 1778876 (VCV001778876.2), dbSNP rs2542559580, ClinGen allele CA391691734.